The following is an entry in ClinVar:

NM_003172.4(SURF1):c.788C>G (p.Thr263Ser)

Gene: SURF1 (SURF1 cytochrome c oxidase assembly factor; minus strand). Cytogenetic location: 9q34.2.
Variant type: single nucleotide variant.
Coding change: c.788C>G on transcript NM_003172.4 (MANE Select); coding-DNA position 788, C replaced by G.
Protein change: p.Thr263Ser; replaces threonine 263 with serine.
Molecular consequence: missense variant.
Genome position (GRCh38, 1-based): chr9:133,352,106, G>C on the plus strand (C>G on the coding strand, the complement: SURF1 is on the minus strand). VCF-style: chr9-133352106-G-C. GRCh37 (hg19) VCF-style: chr9-136218961-G-C.
Other names: c.461C>G, p.Thr154Ser (NM_001280787.1); short protein forms T263S, T154S.
Identifiers: ClinVar variation 1372920 (VCV001372920.6), dbSNP rs2119080085, ClinGen allele CA375693514.

ClinVar aggregate classification (germline): Uncertain significance (1 of 4 stars; one submission).

Conditions:
Leigh syndrome (NULS). Also called: Leigh Syndrome (mtDNA deletion); Leigh Disease; Subacute necrotizing encephalopathy; Necrotizing encephalopathy infantile subacute of Leigh; Leigh's necrotizing encephalopathy; Leigh's disease. Identifiers: Orphanet 506, MedGen C2931891, MONDO:0009723, OMIM 256000.

Submission:

Labcorp Genetics (formerly Invitae), Labcorp
Classification: Uncertain significance for Leigh syndrome. Last evaluated: 2022-06-27. Review status: criteria provided, single submitter. Criteria: Invitae Variant Classification Sherloc (09022015). Collection method: clinical testing. Allele origin: germline.
Comment: Algorithms developed to predict the effect of missense changes on protein structure and function are either unavailable or do not agree on the potential impact of this missense change (SIFT: "Tolerated"; PolyPhen-2: "Probably Damaging"; Align-GVGD: "Class C0"). This sequence change replaces threonine, which is neutral and polar, with serine, which is neutral and polar, at codon 263 of the SURF1 protein (p.Thr263Ser). This variant is not present in population databases (gnomAD no frequency). This variant has not been reported in the literature in individuals affected with SURF1-related conditions. In summary, the available evidence is currently insufficient to determine the role of this variant in disease. Therefore, it has been classified as a Variant of Uncertain Significance.